The following is an entry in ClinVar:

ClinVar aggregate classification (germline): Pathogenic (1 of 4 stars; one submission).

Submission:

CeGaT Center for Human Genetics Tuebingen
Classification: Pathogenic. Last evaluated: 2022-08-01. Review status: criteria provided, single submitter. Criteria: CeGaT Center For Human Genetics Tuebingen Variant Classification Criteria Version 2. Collection method: clinical testing. Allele origin: germline. Affected: yes. Observed: 1 variant allele.
Comment: SDHB: PVS1, PM2

NM_003000.3(SDHB):c.597C>G (p.Tyr199Ter)

Gene: SDHB (succinate dehydrogenase complex iron sulfur subunit B; minus strand). Cytogenetic location: 1p36.13.
Variant type: single nucleotide variant.
Coding change: c.597C>G on transcript NM_003000.3 (MANE Select); coding-DNA position 597, C replaced by G.
Protein change: p.Tyr199Ter; replaces tyrosine 199 with a stop codon.
Molecular consequence: nonsense.
Genome position (GRCh38, 1-based): chr1:17,024,018, G>C on the plus strand (C>G on the coding strand, the complement: SDHB is on the minus strand). VCF-style: chr1-17024018-G-C. GRCh37 (hg19) VCF-style: chr1-17350513-G-C.
Other names: c.543C>G, p.Tyr181Ter (NM_001407361.1); short protein forms Y181*, Y199*.
Identifiers: ClinVar variation 1711215 (VCV001711215.30), dbSNP rs1570945852, ClinGen allele CA338271081.
Genomic context (GRCh38, chr1:17,024,018, plus strand): 5'-TAAGGAGCACCTCACCTGCATAAGAACTGCAGGCCCCAGATATTTGTCTCCGTTCCACCA[G>C]TAGCTGGGGCAGCTGGTGCTACAGCAGGCACAGAGAATGCACTCGTAGAGCCCGTCCTGT-3'